The following is an entry in ClinVar:

ClinVar aggregate classification (germline): Uncertain significance (1 of 4 stars; one submission).

Submission:

Labcorp Genetics (formerly Invitae), Labcorp
Classification: Uncertain significance. Last evaluated: 2024-10-24. Review status: criteria provided, single submitter. Criteria: Invitae Variant Classification Sherloc (09022015). Collection method: clinical testing. Allele origin: germline.
Comment: This sequence change falls in intron 54 of the LRP2 gene. It does not directly change the encoded amino acid sequence of the LRP2 protein. It affects a nucleotide within the consensus splice site. This variant is not present in population databases (gnomAD no frequency). This variant has not been reported in the literature in individuals affected with LRP2-related conditions. ClinVar contains an entry for this variant (Variation ID: 2133784). Variants that disrupt the consensus splice site are a relatively common cause of aberrant splicing (PMID: 17576681, 9536098). Algorithms developed to predict the effect of sequence changes on RNA splicing suggest that this variant is not likely to affect RNA splicing. In summary, the available evidence is currently insufficient to determine the role of this variant in disease. Therefore, it has been classified as a Variant of Uncertain Significance.

Literature cited by the submitters: PubMed 17576681; PubMed 9536098.

NM_004525.3(LRP2):c.10571+4del

Gene: LRP2 (LDL receptor related protein 2; minus strand). Cytogenetic location: 2q31.1.
Variant type: Deletion.
Coding change: c.10571+4del on transcript NM_004525.3 (MANE Select); 4 bases into the intron after coding-DNA position 10571, one base deleted (A; older notation c.10571+4delA).
Molecular consequence: intron variant.
Genome position (GRCh38, 1-based): chr2:169,176,407, T deleted on the plus strand (A on the coding strand, the reverse complement: LRP2 is on the minus strand); the first of 2 consecutive T bases (chr2:169,176,407-169,176,408); deleting either gives the same sequence. VCF-style (leftmost placement, unchanged base first): chr2-169176406-CT-C. GRCh37 (hg19) VCF-style: chr2-170032916-CT-C.
Identifiers: ClinVar variation 2133784 (VCV002133784.4), dbSNP rs2545733758, ClinGen allele CA2580064431.